The following is an entry in ClinVar:

NM_006073.4(TRDN):c.484+7del

Gene: TRDN (triadin; minus strand). Cytogenetic location: 6q22.31.
Variant type: Deletion.
Coding change: c.484+7del on transcript NM_006073.4 (MANE Select); 7 bases into the intron after coding-DNA position 484, one base deleted (A; older notation c.484+7delA).
Molecular consequence: intron variant.
Genome position (GRCh38, 1-based): chr6:123,530,499, T deleted on the plus strand (A on the coding strand, the reverse complement: TRDN is on the minus strand). VCF-style (leftmost placement, unchanged base first): chr6-123530498-AT-A. GRCh37 (hg19) VCF-style: chr6-123851643-AT-A.
Other names: c.484+7del (NM_001251987.2, NM_001256020.2, NM_001256021.2 and 1 more transcripts).
Identifiers: ClinVar variation 512259 (VCV000512259.10), dbSNP rs764922806, ClinGen allele CA3984379.
Genomic context (GRCh38, chr6:123,530,498, plus strand): 5'-TTTTCTCGCATATGAATACACAAAAATGTATATCTAAATGAAGAATAAACATAAAATGAA[AT>A]GTTTACCTTTAGTTTGTATTTTCCTTTCAGGTTTCTCTTGTTTTTCAGTCTTATCTTTGT-3'

ClinVar aggregate classification (germline): Likely benign. Review status: criteria provided, multiple submitters, no conflicts (2 of 4 stars). 2 submissions from 2 submitters: Likely benign (2). Last evaluated 2025-12-16.

Conditions:
Catecholaminergic polymorphic ventricular tachycardia 1. Also called: VENTRICULAR TACHYCARDIA, CATECHOLAMINERGIC POLYMORPHIC, 1, WITH OR WITHOUT ATRIAL DYSFUNCTION AND/OR DILATED CARDIOMYOPATHY; RYR2-Related Catecholaminergic Polymorphic Ventricular Tachycardia; VENTRICULAR TACHYCARDIA, STRESS-INDUCED POLYMORPHIC 1. Identifiers: Orphanet 3286, MedGen C1631597, MONDO:0011484, OMIM 604772.

Allele frequency attached by ClinVar (database versions not stated): gnomAD exomes 0.00001 and 0.00002; TOPMed 0.00001; gnomAD 0.00002; ExAC 0.00005.

Submissions (2):

Labcorp Genetics (formerly Invitae), Labcorp
Classification: Likely benign for Catecholaminergic polymorphic ventricular tachycardia 1. Last evaluated: 2025-12-16. Review status: criteria provided, single submitter. Criteria: Invitae Variant Classification Sherloc (09022015). Collection method: clinical testing. Allele origin: germline.

GeneDx
Classification: Likely benign. Last evaluated: 2017-09-22. Review status: criteria provided, single submitter. Criteria: GeneDx Variant Classification (06012015). Collection method: clinical testing. Allele origin: germline. Affected: yes.
Comment: This variant is considered likely benign or benign based on one or more of the following criteria: it is a conservative change, it occurs at a poorly conserved position in the protein, it is predicted to be benign by multiple in silico algorithms, and/or has population frequency not consistent with disease.